The following is an entry in ClinVar:

ClinVar aggregate classification (germline): Uncertain significance. Review status: criteria provided, multiple submitters, no conflicts (2 of 4 stars). 3 submissions from 3 submitters: Uncertain significance (3). Last evaluated 2024-03-02.

Conditions:
Inborn genetic diseases. Identifiers: MedGen C0950123, MeSH D030342.

gnomAD v4.1: 6 of 1,613,724 alleles (0.00037%); highest among the groups gnomAD compares: Non-Finnish European, 0.00051%; no homozygotes.

Submissions (3):

Labcorp Genetics (formerly Invitae), Labcorp
Classification: Uncertain significance. Last evaluated: 2024-03-02. Review status: criteria provided, single submitter. Criteria: Invitae Variant Classification Sherloc (09022015). Collection method: clinical testing. Allele origin: germline.
Comment: This sequence change replaces alanine, which is neutral and non-polar, with serine, which is neutral and polar, at codon 296 of the ZNF408 protein (p.Ala296Ser). This variant is present in population databases (no rsID available, gnomAD 0.0009%). This variant has not been reported in the literature in individuals affected with ZNF408-related conditions. ClinVar contains an entry for this variant (Variation ID: 2232156). Algorithms developed to predict the effect of missense changes on protein structure and function output the following: SIFT: "Not Available"; PolyPhen-2: "Benign"; Align-GVGD: "Not Available". The serine amino acid residue is found in multiple mammalian species, which suggests that this missense change does not adversely affect protein function. In summary, the available evidence is currently insufficient to determine the role of this variant in disease. Therefore, it has been classified as a Variant of Uncertain Significance.

Blueprint Genetics
Classification: Uncertain significance. Last evaluated: 2022-03-10. Review status: criteria provided, single submitter. Criteria: ACMG Guidelines, 2015. Collection method: clinical testing. Allele origin: germline.

Ambry Genetics
Classification: Uncertain significance for Inborn genetic diseases. Last evaluated: 2021-06-11. Review status: criteria provided, single submitter. Criteria: Ambry Variant Classification Scheme 2023. Collection method: clinical testing. Allele origin: germline.

NM_024741.3(ZNF408):c.886G>T (p.Ala296Ser)

Gene: ZNF408 (zinc finger protein 408; plus strand). Cytogenetic location: 11p11.2.
Variant type: single nucleotide variant.
Coding change: c.886G>T on transcript NM_024741.3 (MANE Select); coding-DNA position 886, G replaced by T.
Protein change: p.Ala296Ser; replaces alanine 296 with serine.
Molecular consequence: missense variant.
Genome position (GRCh38, 1-based): chr11:46,704,586, G>T. VCF-style: chr11-46704586-G-T. GRCh37 (hg19) VCF-style: chr11-46726136-G-T.
Other names: c.862G>T, p.Ala288Ser (NM_001184751.2); short protein forms A288S, A296S.
Identifiers: ClinVar variation 2232156 (VCV002232156.5), dbSNP rs1053683092, ClinGen allele CA380254391.